The following is an entry in ClinVar:

ClinVar aggregate classification (germline): Uncertain significance (1 of 4 stars; one submission).

Allele frequency attached by ClinVar (database versions not stated): gnomAD 0.00001; gnomAD exomes 0.00001; TOPMed 0.00001.
gnomAD v4.1: 18 of 1,609,642 alleles (0.0011%); highest among the groups gnomAD compares: Admixed American, 0.0033%; no homozygotes.

Submission:

Labcorp Genetics (formerly Invitae), Labcorp
Classification: Uncertain significance. Last evaluated: 2025-03-06. Review status: criteria provided, single submitter. Criteria: Invitae Variant Classification Sherloc (09022015). Collection method: clinical testing. Allele origin: germline.
Comment: This sequence change creates a premature translational stop signal (p.Arg248*) in the TRMT5 gene. It is expected to result in an absent or disrupted protein product. However, the current clinical and genetic evidence is not sufficient to establish whether loss-of-function variants in TRMT5 cause disease. This variant is present in population databases (rs200346213, gnomAD 0.003%). This variant has not been reported in the literature in individuals affected with TRMT5-related conditions. ClinVar contains an entry for this variant (Variation ID: 1900676). Algorithms developed to predict the effect of sequence changes on RNA splicing suggest that this variant may disrupt the consensus splice site. In summary, the available evidence is currently insufficient to determine the role of this variant in disease. Therefore, it has been classified as a Variant of Uncertain Significance.

NM_020810.3(TRMT5):c.742C>T (p.Arg248Ter)

Gene: TRMT5 (tRNA methyltransferase 5; minus strand). Cytogenetic location: 14q23.1.
Variant type: single nucleotide variant.
Coding change: c.742C>T on transcript NM_020810.3 (MANE Select); coding-DNA position 742, C replaced by T.
Protein change: p.Arg248Ter; replaces arginine 248 with a stop codon.
Molecular consequence: nonsense.
Genome position (GRCh38, 1-based): chr14:60,977,564, G>A on the plus strand (C>T on the coding strand, the complement: TRMT5 is on the minus strand). VCF-style: chr14-60977564-G-A. GRCh37 (hg19) VCF-style: chr14-61444282-G-A.
Other names: c.826C>T, p.Arg276Ter (NM_001350253.1); c.823C>T, p.Arg275Ter (NM_001350254.1); short protein forms R248*, R275*, R276*.
Identifiers: ClinVar variation 1900676 (VCV001900676.3), dbSNP rs200346213, ClinGen allele CA261751450.